The following is an entry in ClinVar:

NM_005751.5(AKAP9):c.873AGA[1] (p.Glu292del)

Gene: AKAP9 (A-kinase anchoring protein 9; plus strand). Cytogenetic location: 7q21.2.
Variant type: Microsatellite.
Coding change: c.873AGA[1] on transcript NM_005751.5 (MANE Select); one copy of the 3-base unit AGA starting at c.873; the reference has two copies in a row; one copy, 3 bases deleted.
Protein change: p.Glu292del; deletes glutamic acid 292.
Molecular consequence: inframe deletion.
Genome position (GRCh38, 1-based): chr7:91,995,746-91,995,748, AGA deleted; deleting any 3 consecutive bases within chr7:91,995,742-91,995,748 gives the same sequence; the position shown is the placement nearest the transcript's 3' end. VCF-style (leftmost placement, unchanged base first): chr7-91995741-AAAG-A. GRCh37 (hg19) VCF-style: chr7-91625055-AAAG-A.
Other names: c.876_878delAGA (NM_005751.4); c.873AGA[1], p.Glu292del (NM_147185.3); short protein forms E292del.
Identifiers: ClinVar variation 263381 (VCV000263381.13), dbSNP rs759956336, ClinGen allele CA4335927.

ClinVar aggregate classification (germline): Conflicting classifications of pathogenicity. Review status: criteria provided, conflicting classifications (1 of 4 stars). 4 submissions from 3 submitters: Uncertain significance (2); Likely benign (1). 1 of the submissions does not count toward it. Last evaluated 2025-03-03.

Conditions:
Cardiovascular phenotype. Identifiers: MedGen CN230736.
Long QT syndrome (LQTS). Identifiers: MedGen C0023976, MeSH D008133, MONDO:0002442. Disease mechanism: loss of function. Inheritance: Various modes of inheritance.

Submissions (4):

Labcorp Genetics (formerly Invitae), Labcorp
Classification: Uncertain significance for Long QT syndrome. Last evaluated: 2025-03-03. Review status: criteria provided, single submitter. Criteria: Invitae Variant Classification Sherloc (09022015). Collection method: clinical testing. Allele origin: germline.
Comment: This variant, c.876_878del, results in the deletion of 1 amino acid(s) of the AKAP9 protein (p.Glu292del), but otherwise preserves the integrity of the reading frame. This variant is present in population databases (rs759956336, gnomAD 0.005%). This variant has not been reported in the literature in individuals affected with AKAP9-related conditions. Experimental studies and prediction algorithms are not available or were not evaluated, and the functional significance of this variant is currently unknown. In summary, the available evidence is currently insufficient to determine the role of this variant in disease. Therefore, it has been classified as a Variant of Uncertain Significance.

Blueprint Genetics
Classification: Likely benign. Last evaluated: 2024-07-18. Review status: criteria provided, single submitter. Criteria: ACMG Guidelines, 2015. Collection method: clinical testing. Allele origin: germline.

Ambry Genetics
Classification: Uncertain significance for Cardiovascular phenotype. Last evaluated: 2022-11-28. Review status: criteria provided, single submitter. Criteria: Ambry Variant Classification Scheme 2023. Collection method: clinical testing. Allele origin: germline.
Comment: The c.876_878delAGA variant (also known as p.E292del) is located in coding exon 7 of the AKAP9 gene. This variant results from an in-frame AGA deletion at nucleotide positions 876 to 878. This results in the in-frame deletion of a glutamic acid at codon 292. This amino acid position is well conserved in available vertebrate species. In addition, the in silico prediction for this alteration is inconclusive (Choi Y et al. PLoS ONE. 2012; 7(10):e46688). The evidence for this gene-disease relationship is limited; therefore, the clinical significance of this alteration is unclear.

Ambry Genetics
Classification: Uncertain significance for cardiovascular phenotype. Last evaluated: 2012-09-25. Review status: flagged submission. Criteria: Ambry Autosomal Dominant and X-Linked criteria (10/2015). Collection method: clinical testing. Allele origin: germline. Observed: 1 variant allele. Not counted in ClinVar's aggregate classification.
ClinVar note: Reason: This record appears to be redundant with a more recent record from the same submitter.
ClinVar note: Notes: SCV000317549 appears to be redundant with SCV000317657.